The following is an entry in ClinVar:

NM_138800.3(TRIM43):c.406C>G (p.His136Asp)

Gene: TRIM43 (tripartite motif containing 43). Cytogenetic location: 2q11.1.
Variant type: single nucleotide variant.
Coding change: c.406C>G on transcript NM_138800.3 (MANE Select); coding-DNA position 406, C replaced by G.
Protein change: p.His136Asp; replaces histidine 136 with aspartic acid.
Molecular consequence: missense variant.
Genome position (GRCh38, 1-based): chr2:95,594,429, C>G. VCF-style: chr2-95594429-C-G. GRCh37 (hg19) VCF-style: chr2-96260177-C-G.
Other names: short protein forms H136D.
Identifiers: ClinVar variation 3182469 (VCV003182469.9), dbSNP rs2464729, ClinGen allele CA1773052.

ClinVar aggregate classification (germline): Conflicting classifications of pathogenicity. Review status: criteria provided, conflicting classifications (1 of 4 stars). 2 submissions from 2 submitters: Uncertain significance (1); Likely benign (1). Last evaluated 2025-06-01.

Allele frequency attached by ClinVar (database versions not stated): 1000 Genomes Project 30x 0.00515.
gnomAD v4.1: 1,211 of 1,609,462 alleles (0.075%); highest among the groups gnomAD compares: South Asian, 0.69%; 28 homozygotes.

Submissions (2):

CeGaT Center for Human Genetics Tuebingen
Classification: Likely benign. Last evaluated: 2025-06-01. Review status: criteria provided, single submitter. Criteria: CeGaT Center For Human Genetics Tuebingen Variant Classification Criteria Version 2. Collection method: clinical testing. Allele origin: germline. Affected: yes. Observed: 1 variant allele.
Comment: TRIM43: BP4, BS2

Ambry Genetics
Classification: Uncertain significance. Last evaluated: 2023-11-18. Review status: criteria provided, single submitter. Criteria: Ambry Variant Classification Scheme 2023. Collection method: clinical testing. Allele origin: germline.